The following is an entry in ClinVar:

NM_001368894.2(PAX6):c.1182C>G (p.His394Gln)

Gene: PAX6 (paired box 6; minus strand). Cytogenetic location: 11p13.
Variant type: single nucleotide variant.
Coding change: c.1182C>G on transcript NM_001368894.2 (MANE Select); coding-DNA position 1182, C replaced by G.
Protein change: p.His394Gln; replaces histidine 394 with glutamine.
Molecular consequence: missense variant. On other transcripts: non-coding transcript variant (1), intron variant (9).
Genome position (GRCh38, 1-based): chr11:31,790,753, G>C on the plus strand (C>G on the coding strand, the complement: PAX6 is on the minus strand). VCF-style: chr11-31790753-G-C. GRCh37 (hg19) VCF-style: chr11-31812301-G-C.
Other names: c.1140C>G, p.His380Gln (NM_000280.6, NM_001127612.3, NM_001258464.2 and 6 more transcripts); c.1182C>G, p.His394Gln (NM_001258462.3, NM_001258463.2, NM_001310158.2 and 3 more transcripts); c.732C>G, p.His244Gln (NM_001310160.2, NM_001310161.3, NM_001368899.2 and 10 more transcripts); c.1383C>G, p.His461Gln (NM_001368910.2); c.1257C>G, p.His419Gln (NM_001368918.2, NM_001368919.2); c.1215C>G, p.His405Gln (NM_001368920.2); c.981C>G, p.His327Gln (NM_001368922.2, NM_001368923.2, NM_001368924.2 and 3 more transcripts); c.939C>G, p.His313Gln (NM_001368928.2); and 6 more; short protein forms H313Q, H380Q, H461Q, H179Q, H244Q, H394Q, H405Q, H419Q.
Identifiers: ClinVar variation 2085945 (VCV002085945.4), dbSNP rs1414358223, ClinGen allele CA379967145.

ClinVar aggregate classification (germline): Uncertain significance (1 of 4 stars; one submission).

Conditions:
Aniridia 1 (AN1). Identifiers: Orphanet 250923, MedGen C0344542, MONDO:0024507, OMIM 106210.
Irido-corneo-trabecular dysgenesis (ASGD5). Also called: ANTERIOR SEGMENT DYSGENESIS 5. Identifiers: Orphanet 708, MedGen C0344559, MONDO:0011414, OMIM 604229, HP:0000659.

Submission:

Labcorp Genetics (formerly Invitae), Labcorp
Classification: Uncertain significance for Aniridia 1; Irido-corneo-trabecular dysgenesis. Last evaluated: 2024-02-19. Review status: criteria provided, single submitter. Criteria: Invitae Variant Classification Sherloc (09022015). Collection method: clinical testing. Allele origin: germline.
Comment: This sequence change replaces histidine, which is basic and polar, with glutamine, which is neutral and polar, at codon 380 of the PAX6 protein (p.His380Gln). This variant is not present in population databases (gnomAD no frequency). This variant has not been reported in the literature in individuals affected with PAX6-related conditions. ClinVar contains an entry for this variant (Variation ID: 2085945). Advanced modeling of protein sequence and biophysical properties (such as structural, functional, and spatial information, amino acid conservation, physicochemical variation, residue mobility, and thermodynamic stability) performed at Invitae indicates that this missense variant is not expected to disrupt PAX6 protein function with a negative predictive value of 95%. In summary, the available evidence is currently insufficient to determine the role of this variant in disease. Therefore, it has been classified as a Variant of Uncertain Significance.